The following is an entry in ClinVar:

ClinVar aggregate classification (germline): Uncertain significance. Review status: criteria provided, multiple submitters, no conflicts (2 of 4 stars). 2 submissions from 2 submitters: Uncertain significance (2). Last evaluated 2022-08-31.

Conditions:
Inborn genetic diseases. Identifiers: MedGen C0950123, MeSH D030342.
Severe myoclonic epilepsy in infancy (DRVT). Also called: SEVERE MYOCLONIC EPILEPSY OF INFANCY; DEVELOPMENTAL AND EPILEPTIC ENCEPHALOPATHY 6A; Dravet syndrome; Severe Myoclonic Epilepsy in Infancy (SMEI); Epileptic encephalopathy, early infantile, 6 (Dravet syndrome). Identifiers: Orphanet 33069, MedGen C0751122, MONDO:0100135, OMIM 607208.

Allele frequency attached by ClinVar (database versions not stated): gnomAD exomes below 0.00001.
gnomAD v4.1: 6 of 1,446,476 alleles (0.00041%); highest among the groups gnomAD compares: Non-Finnish European, 0.00054%; no homozygotes.

Submissions (2):

Labcorp Genetics (formerly Invitae), Labcorp
Classification: Uncertain significance for Severe myoclonic epilepsy in infancy. Last evaluated: 2022-08-31. Review status: criteria provided, single submitter. Criteria: Invitae Variant Classification Sherloc (09022015). Collection method: clinical testing. Allele origin: germline.
Comment: This variant is not present in population databases (gnomAD no frequency). In summary, the available evidence is currently insufficient to determine the role of this variant in disease. Therefore, it has been classified as a Variant of Uncertain Significance. Algorithms developed to predict the effect of missense changes on protein structure and function are either unavailable or do not agree on the potential impact of this missense change (SIFT: "Deleterious"; PolyPhen-2: "Benign"; Align-GVGD: "Class C0"). ClinVar contains an entry for this variant (Variation ID: 1350094). This variant has not been reported in the literature in individuals affected with SNX27-related conditions. This sequence change replaces glycine, which is neutral and non-polar, with aspartic acid, which is acidic and polar, at codon 19 of the SNX27 protein (p.Gly19Asp).

Ambry Genetics
Classification: Uncertain significance for Inborn genetic diseases. Last evaluated: 2022-08-11. Review status: criteria provided, single submitter. Criteria: Ambry Variant Classification Scheme 2023. Collection method: clinical testing. Allele origin: germline.

NM_001330723.2(SNX27):c.56G>A (p.Gly19Asp)

Genes: SNX27 (sorting nexin 27; plus strand), LOC129931442 (ATAC-STARR-seq lymphoblastoid silent region 1324; plus strand). Cytogenetic location: 1q21.3.
Variant type: single nucleotide variant.
Coding change: c.56G>A on transcript NM_001330723.2 (MANE Select); coding-DNA position 56, G replaced by A.
Protein change: p.Gly19Asp; replaces glycine 19 with aspartic acid.
Molecular consequence: missense variant.
Genome position (GRCh38, 1-based): chr1:151,612,257, G>A. VCF-style: chr1-151612257-G-A. GRCh37 (hg19) VCF-style: chr1-151584733-G-A.
Other names: c.56G>A, p.Gly19Asp (NM_030918.6); c.56G>A (NM_030918.5); short protein forms G19D.
Identifiers: ClinVar variation 1350094 (VCV001350094.9), dbSNP rs1181173678, ClinGen allele CA341973616.